The following is an entry in ClinVar:

ClinVar aggregate classification (germline): Uncertain significance. Review status: criteria provided, multiple submitters, no conflicts (2 of 4 stars). 2 submissions from 2 submitters: Uncertain significance (2). Last evaluated 2025-06-16.

Conditions:
Emery-Dreifuss muscular dystrophy 5, autosomal dominant (EDMD5). Also called: EMERY-DREIFUSS MUSCULAR DYSTROPHY 5. Identifiers: Orphanet 261, MedGen C2751805, MONDO:0013072, OMIM 612999.

gnomAD v4.1: 64 of 1,612,956 alleles (0.004%); highest among the groups gnomAD compares: Non-Finnish European, 0.0052%; no homozygotes.

Submissions (2):

Revvity Omics, Revvity
Classification: Uncertain significance for Emery-Dreifuss muscular dystrophy 5, autosomal dominant. Last evaluated: 2025-06-16. Review status: criteria provided, single submitter. Criteria: ACMG Guidelines, 2015. Collection method: clinical testing. Allele origin: germline.

Labcorp Genetics (formerly Invitae), Labcorp
Classification: Uncertain significance for Emery-Dreifuss muscular dystrophy 5, autosomal dominant. Last evaluated: 2024-03-01. Review status: criteria provided, single submitter. Criteria: Invitae Variant Classification Sherloc (09022015). Collection method: clinical testing. Allele origin: germline.
Comment: This sequence change replaces aspartic acid, which is acidic and polar, with alanine, which is neutral and non-polar, at codon 265 of the SYNE2 protein (p.Asp265Ala). This variant is present in population databases (rs376847545, gnomAD 0.004%). This variant has not been reported in the literature in individuals affected with SYNE2-related conditions. An algorithm developed to predict the effect of missense changes on protein structure and function (PolyPhen-2) suggests that this variant is likely to be disruptive. In summary, the available evidence is currently insufficient to determine the role of this variant in disease. Therefore, it has been classified as a Variant of Uncertain Significance.

NM_182914.3(SYNE2):c.794A>C (p.Asp265Ala)

Gene: SYNE2 (spectrin repeat containing nuclear envelope protein 2; plus strand). Cytogenetic location: 14q23.2.
Variant type: single nucleotide variant.
Coding change: c.794A>C on transcript NM_182914.3 (MANE Select); coding-DNA position 794, A replaced by C.
Protein change: p.Asp265Ala; replaces aspartic acid 265 with alanine.
Molecular consequence: missense variant.
Genome position (GRCh38, 1-based): chr14:63,961,531, A>C. VCF-style: chr14-63961531-A-C. GRCh37 (hg19) VCF-style: chr14-64428249-A-C.
Other names: c.794A>C (NM_182914.2); c.794A>C, p.Asp265Ala (NM_015180.6); short protein forms D265A.
Identifiers: ClinVar variation 3696578 (VCV003696578.3).
Genomic context (GRCh38, chr14:63,961,531, plus strand): 5'-TATTCATTATAGTAAATGTGTAACAGCTAATTGATAGTGTGGTGTATCTTGCAGATGTGG[A>C]TGTTGTTGATCCTGATGAAAAGTCCATCATGACCTATGTGGCACAGTTTCTGCAGTATTC-3'
Protein context (NP_878918.2, residues 255-275): IPRLLEPEDV[Asp265Ala]VVDPDEKSIM